The following is an entry in ClinVar:

ClinVar aggregate classification (germline): Uncertain significance (1 of 4 stars; one submission).

Conditions:
Myopathy, proximal, and ophthalmoplegia (CMYO6). Also called: MYOPATHY WITH CONGENITAL JOINT CONTRACTURES, OPHTHALMOPLEGIA, AND RIMMED VACUOLES; INCLUSION BODY MYOPATHY 3, AUTOSOMAL DOMINANT; CONGENITAL MYOPATHY 6 WITH OPHTHALMOPLEGIA. Identifiers: Orphanet 363677, Orphanet 79091, MedGen C1854106, MONDO:0011577, OMIM 605637.

Submission:

Labcorp Genetics (formerly Invitae), Labcorp
Classification: Uncertain significance for Myopathy, proximal, and ophthalmoplegia. Last evaluated: 2023-04-17. Review status: criteria provided, single submitter. Criteria: Invitae Variant Classification Sherloc (09022015). Collection method: clinical testing. Allele origin: germline.
Comment: Advanced modeling of protein sequence and biophysical properties (such as structural, functional, and spatial information, amino acid conservation, physicochemical variation, residue mobility, and thermodynamic stability) has been performed at Invitae for this missense variant, however the output from this modeling did not meet the statistical confidence thresholds required to predict the impact of this variant on MYH2 protein function. In summary, the available evidence is currently insufficient to determine the role of this variant in disease. Therefore, it has been classified as a Variant of Uncertain Significance. This variant has not been reported in the literature in individuals affected with MYH2-related conditions. This variant is not present in population databases (gnomAD no frequency). This sequence change replaces lysine, which is basic and polar, with glutamic acid, which is acidic and polar, at codon 1816 of the MYH2 protein (p.Lys1816Glu).

NM_017534.6(MYH2):c.5446A>G (p.Lys1816Glu)

Genes: MYH2 (myosin heavy chain 2; minus strand), MYHAS (myosin heavy chain gene cluster antisense RNA; plus strand). Cytogenetic location: 17p13.1.
Variant type: single nucleotide variant.
Coding change: c.5446A>G on transcript NM_017534.6 (MANE Select); coding-DNA position 5446, A replaced by G.
Protein change: p.Lys1816Glu; replaces lysine 1816 with glutamic acid.
Molecular consequence: missense variant.
Genome position (GRCh38, 1-based): chr17:10,523,522, T>C on the plus strand (A>G on the coding strand, the complement: MYH2 is on the minus strand). VCF-style: chr17-10523522-T-C. GRCh37 (hg19) VCF-style: chr17-10426839-T-C.
Other names: c.5446A>G, p.Lys1816Glu (NM_001100112.2); short protein forms K1816E.
Identifiers: ClinVar variation 2857007 (VCV002857007.3), dbSNP rs2073310076, ClinGen allele CA398115739.